The following is an entry in ClinVar:

NM_001261826.3(AP3D1):c.2264G>C (p.Arg755Pro)

Gene: AP3D1 (adaptor related protein complex 3 subunit delta 1; minus strand). Cytogenetic location: 19p13.3.
Variant type: single nucleotide variant.
Coding change: c.2264G>C on transcript NM_001261826.3 (MANE Select); coding-DNA position 2264, G replaced by C.
Protein change: p.Arg755Pro; replaces arginine 755 with proline.
Molecular consequence: missense variant.
Genome position (GRCh38, 1-based): chr19:2,115,304, C>G on the plus strand (G>C on the coding strand, the complement: AP3D1 is on the minus strand). VCF-style: chr19-2115304-C-G. GRCh37 (hg19) VCF-style: chr19-2115303-C-G.
Other names: c.2264G>C, p.Arg755Pro (NM_001374799.1, NM_003938.8); short protein forms R755P.
Identifiers: ClinVar variation 3676930 (VCV003676930.2).

ClinVar aggregate classification (germline): Uncertain significance (1 of 4 stars; one submission).

Submission:

Labcorp Genetics (formerly Invitae), Labcorp
Classification: Uncertain significance. Last evaluated: 2024-02-25. Review status: criteria provided, single submitter. Criteria: Invitae Variant Classification Sherloc (09022015). Collection method: clinical testing. Allele origin: germline.
Comment: This sequence change replaces arginine, which is basic and polar, with proline, which is neutral and non-polar, at codon 755 of the AP3D1 protein (p.Arg755Pro). This variant is not present in population databases (gnomAD no frequency). This variant has not been reported in the literature in individuals affected with AP3D1-related conditions. An algorithm developed to predict the effect of missense changes on protein structure and function (PolyPhen-2) suggests that this variant is likely to be tolerated. In summary, the available evidence is currently insufficient to determine the role of this variant in disease. Therefore, it has been classified as a Variant of Uncertain Significance.